The following is an entry in ClinVar:

ClinVar aggregate classification (germline): Conflicting classifications of pathogenicity. Review status: criteria provided, conflicting classifications (1 of 4 stars). 12 submissions from 12 submitters: Uncertain significance (2); Benign (3); Likely benign (6). 1 of the submissions does not count toward it. Last evaluated 2026-02-04.

Conditions:
Hereditary cancer-predisposing syndrome. Also called: Hereditary Cancer Syndrome; Tumor predisposition; Hereditary neoplastic syndrome; Neoplastic Syndromes, Hereditary. Identifiers: Orphanet 140162, MedGen C0027672, MeSH D009386, MONDO:0015356.
Carcinoma of colon (CRC). Also called: Colon carcinoma; Colonic carcinoma. Identifiers: MedGen C0699790, MONDO:0002032.

Allele frequency attached by ClinVar (database versions not stated): ESP Exome Variant Server 0.00008; gnomAD exomes 0.00013 and 0.00034; gnomAD 0.00015 and 0.00020; TOPMed 0.00019; ExAC 0.00035; 1000 Genomes Project 30x 0.00172; 1000 Genomes Project 0.00180.
gnomAD v4.1: 230 of 1,614,130 alleles (0.014%); highest among the groups gnomAD compares: East Asian, 0.38%; 2 homozygotes.

Submissions (12):

Labcorp Genetics (formerly Invitae), Labcorp
Classification: Benign. Last evaluated: 2026-02-04. Review status: criteria provided, single submitter. Criteria: Invitae Variant Classification Sherloc (09022015). Collection method: clinical testing. Allele origin: germline.

Dasa
Classification: Likely benign. Last evaluated: 2025-07-03. Review status: criteria provided, single submitter. Criteria: DASA Assertion Criteria. Collection method: clinical testing. Allele origin: germline.
Comment: NM_006231.4(POLE):c.2974G>A (p.Ala992Thr) is a missense variant that results in the substitution of alanine with threonine. Population frequency is inconsistent with a disease-causing role for this variant. Computational prediction algorithms are consistent with a benign effect. Therefore, based on the currently available evidence, this variant is classified as likely benign.

Center for Genomic Medicine, Rigshospitalet, Copenhagen University Hospital
Classification: Uncertain significance. Last evaluated: 2025-03-04. Review status: criteria provided, single submitter. Criteria: ACMG Guidelines, 2015. Collection method: clinical testing. Allele origin: germline.

Blueprint Genetics
Classification: Likely benign. Last evaluated: 2024-10-03. Review status: criteria provided, single submitter. Criteria: ACMG Guidelines, 2015. Collection method: clinical testing. Allele origin: germline.

ARUP Laboratories, Molecular Genetics and Genomics, ARUP Laboratories
Classification: Likely benign. Last evaluated: 2024-02-27. Review status: criteria provided, single submitter. Criteria: ARUP Molecular Germline Variant Investigation Process 2024. Collection method: clinical testing. Allele origin: germline.

Women's Health and Genetics/Laboratory Corporation of America, LabCorp
Classification: Likely benign. Last evaluated: 2022-05-26. Review status: criteria provided, single submitter. Criteria: LabCorp Variant Classification Summary - May 2015. Collection method: clinical testing. Allele origin: germline.

Sema4
Classification: Benign for Hereditary cancer-predisposing syndrome. Last evaluated: 2020-11-11. Review status: criteria provided, single submitter. Criteria: Sema4 Curation Guidelines. Collection method: curation. Allele origin: germline.

GeneDx
Classification: Likely benign. Last evaluated: 2019-09-23. Review status: criteria provided, single submitter. Criteria: GeneDx Variant Classification Process June 2021. Collection method: clinical testing. Allele origin: germline. Affected: yes.
Comment: This variant is associated with the following publications: (PMID: 28873162, 31769227)

Quest Diagnostics Nichols Institute San Juan Capistrano
Classification: Benign. Last evaluated: 2018-10-11. Review status: criteria provided, single submitter. Criteria: Quest Diagnostics criteria. Collection method: clinical testing. Allele origin: germline.

PreventionGenetics, part of Exact Sciences
Classification: Uncertain significance. Last evaluated: 2018-01-24. Review status: criteria provided, single submitter. Criteria: ACMG Guidelines, 2015. Collection method: clinical testing. Allele origin: germline.

Ambry Genetics
Classification: Likely benign for Hereditary cancer-predisposing syndrome. Last evaluated: 2015-06-24. Review status: criteria provided, single submitter. Criteria: Ambry Variant Classification Scheme 2023. Collection method: clinical testing. Allele origin: germline.

Department of Pathology and Laboratory Medicine, Sinai Health System
Classification: Uncertain significance for Carcinoma of colon. Review status: no assertion criteria provided. Collection method: clinical testing. Allele origin: unknown. Affected: yes. Observed: 1 variant allele. Study: The Canadian Open Genetics Repository (COGR). Not counted in ClinVar's aggregate classification.
Comment: The POLE p.Ala992Thr variant was not identified in the literature nor was it identified in the MutDB database. The variant was identified in dbSNP (ID: rs115193764) â€šÃ„ÃºWith Uncertain significance alleleâ€šÃ„Ã¹, ClinVar (classified with conflicting interpretations of pathogenicity; submitters: likely benign by Invitae and Ambry Genetics, and uncertain significance by GeneDx), Clinvitae (3x), Cosmic (1x in an endometrioid carcinoma), and in control databases in 88 (1 homozygous) of 277156 chromosomes at a frequency of 0.0003 increasing the likelihood this could be a low frequency benign variant (Genome Aggregation Database Feb 27, 2017). Breakdown of the observations by population include Other in 2 of 6456 chromosomes (freq: 0.0003), European Non-Finnish in 2 of 126672 chromosomes (freq: 0.00002), Ashkenazi Jewish in 10 (1 homozygous) of 10152 chromosomes (freq: 0.001), East Asian in 74 of 18868 chromosomes (freq: 0.004), while not observed in the African, Latino, European Finnish and South Asian populations. The p.Ala992 residue is conserved in mammals but not in more distantly related organisms; however four out of five computational analyses (PolyPhen-2, SIFT, AlignGVGD, BLOSUM, MutationTaster) do not suggest a high likelihood that a Thr residue at this location impacts the protein; this information is not predictive enough to rule out pathogenicity. The variant occurs outside of the splicing consensus sequence and 1 of 5 in silico or computational prediction software programs (SpliceSiteFinder, MaxEntScan, NNSPLICE, GeneSplicer, HumanSpliceFinder) predict a greater than 10% difference in splicing; this is not very predictive of pathogenicity. In summary, based on the above information the clinical significance of this variant cannot be determined with certainty at this time. This variant is classified as a variant of uncertain significance.

Literature cited by the submitters: PubMed 31769227 (cited by Center for Genomic Medicine, Rigshospitalet, Copenhagen University Hospital); PubMed 28873162 (cited by Quest Diagnostics Nichols Institute San Juan Capistrano).

NM_006231.4(POLE):c.2974G>A (p.Ala992Thr)

Gene: POLE (DNA polymerase epsilon, catalytic subunit; minus strand). Cytogenetic location: 12q24.33.
Variant type: single nucleotide variant.
Coding change: c.2974G>A on transcript NM_006231.4 (MANE Select); coding-DNA position 2974, G replaced by A.
Protein change: p.Ala992Thr; replaces alanine 992 with threonine.
Molecular consequence: missense variant.
Genome position (GRCh38, 1-based): chr12:132,661,055, C>T on the plus strand (G>A on the coding strand, the complement: POLE is on the minus strand). VCF-style: chr12-132661055-C-T. GRCh37 (hg19) VCF-style: chr12-133237641-C-T.
Other names: short protein forms A992T.
Identifiers: ClinVar variation 240453 (VCV000240453.32), dbSNP rs115193764, ClinGen allele CA6893393.